The following is an entry in ClinVar:

ClinVar aggregate classification (germline): Pathogenic. Review status: criteria provided, multiple submitters, no conflicts (2 of 4 stars). 8 submissions from 8 submitters: Pathogenic (8). Last evaluated 2026-01-21.

Conditions:
SLC25A13-related disorder. Also called: SLC25A13-related condition.
Citrullinemia. Identifiers: Orphanet 187, MedGen C0175683, MONDO:0015991.
Neonatal intrahepatic cholestasis due to citrin deficiency (CDNI). Also called: CITRIN DEFICIENCY, NEONATAL OR INFANTILE ONSET; Neonatal Intrahepatic Cholestasis Caused by Citrin Deficiency (NICCD); Neonatal-onset citrullinemia type II; Neonatal-onset citrullinemia type 2. Identifiers: Orphanet 247598, MedGen C1853942, MONDO:0011601, OMIM 605814.
Citrullinemia, type II, adult-onset (CDAA). Also called: CITRIN DEFICIENCY, ADOLESCENT OR ADULT ONSET. Identifiers: Orphanet 247585, MedGen CN295299, MONDO:0011326, OMIM 603471.
Citrin deficiency. Identifiers: Orphanet 247582, MedGen C1997910, MONDO:0016602.

Allele frequency attached by ClinVar (database versions not stated): TOPMed below 0.00001; ExAC 0.00001; gnomAD 0.00003.
gnomAD v4.1: 54 of 1,613,984 alleles (0.0033%); highest among the groups gnomAD compares: Non-Finnish European, 0.0045%; no homozygotes.

Submissions (8):

Labcorp Genetics (formerly Invitae), Labcorp
Classification: Pathogenic for Citrin deficiency. Last evaluated: 2026-01-21. Review status: criteria provided, single submitter. Criteria: Invitae Variant Classification Sherloc (09022015). Collection method: clinical testing. Allele origin: germline.
Comment: This sequence change creates a premature translational stop signal (p.Arg355*) in the SLC25A13 gene. It is expected to result in an absent or disrupted protein product. Loss-of-function variants in SLC25A13 are known to be pathogenic (PMID: 10369257, 14680984, 27405544). This variant is present in population databases (rs758827458, gnomAD 0.002%). This premature translational stop signal has been observed in individual(s) with citrin deficiency (PMID: 19036621). ClinVar contains an entry for this variant (Variation ID: 449394). For these reasons, this variant has been classified as Pathogenic.

PreventionGenetics, part of Exact Sciences
Classification: Pathogenic for SLC25A13-related condition. Last evaluated: 2025-09-15. Review status: criteria provided, single submitter. Criteria: ACMG Guidelines, 2015. Collection method: clinical testing. Allele origin: germline.
Comment: The SLC25A13 c.1063C>T variant is predicted to result in premature protein termination (p.Arg355*). This variant has been reported in the compound heterozygous state in multiple patients with citrin deficiency (Dimmock et al. 2009. PubMed ID: 19036621). This variant is reported in 0.0023% of alleles in individuals of European (Non-Finnish) descent in gnomAD. Nonsense variants in SLC25A13 are expected to be pathogenic. This variant is interpreted as pathogenic.

Natera, Inc.
Classification: Pathogenic for Citrullinemia. Last evaluated: 2025-05-30. Review status: criteria provided, single submitter. Criteria: Natera Variant Classification Schema (03/2026). Collection method: clinical testing. Allele origin: germline.
Comment: The c.1063C>T variant in SLC25A13 is a nonsense variant predicted to introduce a stop codon at amino acid 355. This variant is expected to result in nonsense mediated decay, truncation, or a dysfunctional protein product. This variant is rare in the general population with a frequency below the threshold expected for the associated phenotype(s). This variant has been observed in one or more individuals affected with the associated recessive disease, as either homozygous or compound heterozygous with a second variant (PMID: 19036621). Additionally, this variant has been observed to segregate in affected family members (PMID: 19036621). Given the available evidence, this variant is classified as Pathogenic.

GeneDx
Classification: Pathogenic. Last evaluated: 2025-03-11. Review status: criteria provided, single submitter. Criteria: GeneDx Variant Classification Process June 2021. Collection method: clinical testing. Allele origin: germline. Affected: yes.
Comment: Not observed at significant frequency in large population cohorts (gnomAD); Nonsense variant predicted to result in protein truncation or nonsense mediated decay in a gene for which loss of function is a known mechanism of disease; This variant is associated with the following publications: (PMID: 25525159, 19036621, 31589614, 35798653, 36409970, 35150601)

Fulgent Genetics
Classification: Pathogenic for Citrullinemia, type II, adult-onset; Neonatal intrahepatic cholestasis due to citrin deficiency. Last evaluated: 2024-06-20. Review status: criteria provided, single submitter. Criteria: ACMG Guidelines, 2015. Collection method: clinical testing. Allele origin: germline.

Baylor Genetics
Classification: Pathogenic for Citrullinemia, type II, adult-onset. Last evaluated: 2024-03-03. Review status: criteria provided, single submitter. Criteria: ACMG Guidelines, 2015. Collection method: clinical testing. Allele origin: unknown.

Blueprint Genetics
Classification: Pathogenic for SLC25A13-related disorders. Last evaluated: 2023-09-19. Review status: criteria provided, single submitter. Criteria: ACMG Guidelines, 2015. Collection method: clinical testing. Allele origin: germline. Affected: yes. Observed: 5 variant alleles.

Juno Genomics, Hangzhou Juno Genomics, Inc
Classification: Pathogenic for Citrullinemia, type II, adult-onset; Neonatal intrahepatic cholestasis due to citrin deficiency. Review status: criteria provided, single submitter. Criteria: ACMG Guidelines, 2015. Collection method: clinical testing. Allele origin: germline.
Comment: Absent from controls (or at extremely low frequency if recessive) in Genome Aggregation Database.;Null variant in a gene where loss of function (LOF) is a known mechanism of disease.;For recessive disorders, detected in trans with a pathogenic variant.

Literature cited by the submitters: PubMed 10369257 (cited by Labcorp Genetics (formerly Invitae), Labcorp); PubMed 14680984 (cited by Labcorp Genetics (formerly Invitae), Labcorp); PubMed 27405544 (cited by Labcorp Genetics (formerly Invitae), Labcorp); PubMed 19036621 (cited by Labcorp Genetics (formerly Invitae), Labcorp and Natera, Inc.).

NM_014251.3(SLC25A13):c.1063C>T (p.Arg355Ter)

Gene: SLC25A13 (solute carrier family 25 member 13; minus strand). Cytogenetic location: 7q21.3.
Variant type: single nucleotide variant.
Coding change: c.1063C>T on transcript NM_014251.3 (MANE Select); coding-DNA position 1063, C replaced by T.
Protein change: p.Arg355Ter; replaces arginine 355 with a stop codon.
Molecular consequence: nonsense. On other transcripts: non-coding transcript variant (1).
Genome position (GRCh38, 1-based): chr7:96,184,391, G>A on the plus strand (C>T on the coding strand, the complement: SLC25A13 is on the minus strand). VCF-style: chr7-96184391-G-A. GRCh37 (hg19) VCF-style: chr7-95813703-G-A.
Other names: c.1066C>T, p.Arg356Ter (NM_001160210.2); short protein forms R355*, R356*.
Identifiers: ClinVar variation 449394 (VCV000449394.27), dbSNP rs758827458, ClinGen allele CA4353042.